The following is an entry in ClinVar:

ClinVar aggregate classification (germline): Uncertain significance (1 of 4 stars; one submission).

gnomAD v4.1: 8 of 1,613,556 alleles (0.0005%); highest among the groups gnomAD compares: African/African-American, 0.0013%; no homozygotes.

Submission:

Labcorp Genetics (formerly Invitae), Labcorp
Classification: Uncertain significance. Last evaluated: 2026-01-26. Review status: criteria provided, single submitter. Criteria: Invitae Variant Classification Sherloc (09022015). Collection method: clinical testing. Allele origin: germline.
Comment: This sequence change replaces leucine, which is neutral and non-polar, with proline, which is neutral and non-polar, at codon 1463 of the CCDC88C protein (p.Leu1463Pro). This variant is present in population databases (rs766273602, gnomAD 0.01%). This variant has not been reported in the literature in individuals affected with CCDC88C-related conditions. An algorithm developed to predict the effect of missense changes on protein structure and function outputs the following: PolyPhen-2: "Benign". The proline amino acid residue is found in multiple mammalian species, which suggests that this missense change does not adversely affect protein function. In summary, the available evidence is currently insufficient to determine the role of this variant in disease. Therefore, it has been classified as a Variant of Uncertain Significance.

NM_001080414.4(CCDC88C):c.4388T>C (p.Leu1463Pro)

Gene: CCDC88C (coiled-coil and HOOK domain protein 88C; minus strand). Cytogenetic location: 14q32.11.
Variant type: single nucleotide variant.
Coding change: c.4388T>C on transcript NM_001080414.4 (MANE Select); coding-DNA position 4388, T replaced by C.
Protein change: p.Leu1463Pro; replaces leucine 1463 with proline.
Molecular consequence: missense variant. On other transcripts: non-coding transcript variant (2).
Genome position (GRCh38, 1-based): chr14:91,289,158, A>G on the plus strand (T>C on the coding strand, the complement: CCDC88C is on the minus strand). VCF-style: chr14-91289158-A-G. GRCh37 (hg19) VCF-style: chr14-91755502-A-G.
Other names: short protein forms L1463P.
Identifiers: ClinVar variation 4705928 (VCV004705928.1).